The following is an entry in ClinVar:

NM_006939.4(SOS2):c.2668-13T>C

Gene: SOS2 (SOS Ras/Rho guanine nucleotide exchange factor 2; minus strand). Cytogenetic location: 14q21.3.
Variant type: single nucleotide variant.
Coding change: c.2668-13T>C on transcript NM_006939.4 (MANE Select); 13 bases into the intron before coding-DNA position 2668, T replaced by C.
Molecular consequence: intron variant.
Genome position (GRCh38, 1-based): chr14:50,140,072, A>G on the plus strand (T>C on the coding strand, the complement: SOS2 is on the minus strand). VCF-style: chr14-50140072-A-G. GRCh37 (hg19) VCF-style: chr14-50606790-A-G.
Identifiers: ClinVar variation 928729 (VCV000928729.10), dbSNP rs368749459, ClinGen allele CA7176971.
Genomic context (GRCh38, chr14:50,140,072, plus strand): 5'-TAATTCCACAGCTTCGTCCAAAATTTTCCTTTTCCTTTCCTGCAGTGCCTTAAAGTATAC[A>G]TAAATTGAGTATAAATTTTTTACAATTCAATCATATTTTATAAATGCAAACCTTTAAATT-3'

ClinVar aggregate classification (germline): Benign/Likely benign. Review status: criteria provided, multiple submitters, no conflicts (2 of 4 stars). 4 submissions from 4 submitters: Benign (3); Likely benign (1). Last evaluated 2026-01-26.

Conditions:
Noonan syndrome 9 (NS9). Identifiers: Orphanet 648, MedGen C4225282, MONDO:0014691, OMIM 616559.

Allele frequency attached by ClinVar (database versions not stated): ESP Exome Variant Server 0.00008; gnomAD 0.00014; gnomAD exomes 0.00023 and 0.00050; TOPMed 0.00030; ExAC 0.00062.
gnomAD v4.1: 251 of 1,168,828 alleles (0.021%); highest among the groups gnomAD compares: Admixed American, 0.14%; no homozygotes.

Submissions (4):

Labcorp Genetics (formerly Invitae), Labcorp
Classification: Benign for Noonan syndrome 9. Last evaluated: 2026-01-26. Review status: criteria provided, single submitter. Criteria: Invitae Variant Classification Sherloc (09022015). Collection method: clinical testing. Allele origin: germline.

Blueprint Genetics
Classification: Likely benign. Last evaluated: 2024-11-11. Review status: criteria provided, single submitter. Criteria: ACMG Guidelines, 2015. Collection method: clinical testing. Allele origin: germline.

Women's Health and Genetics/Laboratory Corporation of America, LabCorp
Classification: Benign. Last evaluated: 2019-08-26. Review status: criteria provided, single submitter. Criteria: LabCorp Variant Classification Summary - May 2015. Collection method: clinical testing. Allele origin: germline.
Comment: Variant summary: SOS2 c.2668-13T>C alters a conserved nucleotide located close to a canonical splice site and therefore could affect mRNA splicing, leading to a significantly altered protein sequence. 4/5 computational tools predict no significant impact on normal splicing. However, these predictions have yet to be confirmed by functional studies. The variant allele was found at a frequency of 0.0005 in 225826 control chromosomes, predominantly at a frequency of 0.0023 within the Latino subpopulation in the gnomAD database. The observed variant frequency within Latino control individuals in the gnomAD database is approximately 900 fold of the estimated maximal expected allele frequency for a pathogenic variant in SOS2 causing Noonan Syndrome and Related Conditions phenotype (2.5e-06), strongly suggesting that the variant is a benign polymorphism. To our knowledge, no occurrence of c.2668-13T>C in individuals affected with Noonan Syndrome and Related Conditions and no experimental evidence demonstrating its impact on protein function have been reported. No clinical diagnostic laboratories have submitted clinical-significance assessments for this variant to ClinVar after 2014. Based on the evidence outlined above, the variant was classified as benign.

Genome-Nilou Lab
Classification: Benign for Noonan syndrome 9. Review status: criteria provided, single submitter. Criteria: ACMG Guidelines, 2015. Collection method: clinical testing. Allele origin: germline.